The following is an entry in ClinVar:

NM_002430.3(MN1):c.1259A>C (p.His420Pro)

Gene: MN1 (MN1 proto-oncogene, transcriptional regulator; minus strand). Cytogenetic location: 22q12.1.
Variant type: single nucleotide variant.
Coding change: c.1259A>C on transcript NM_002430.3 (MANE Select); coding-DNA position 1259, A replaced by C.
Protein change: p.His420Pro; replaces histidine 420 with proline.
Molecular consequence: missense variant.
Genome position (GRCh38, 1-based): chr22:27,799,285, T>G on the plus strand (A>C on the coding strand, the complement: MN1 is on the minus strand). VCF-style: chr22-27799285-T-G. GRCh37 (hg19) VCF-style: chr22-28195273-T-G.
Other names: short protein forms H420P.
Identifiers: ClinVar variation 3390569 (VCV003390569.1).

ClinVar aggregate classification (germline): Uncertain significance (1 of 4 stars; one submission).

gnomAD v4.1: 1 of 1,586,206 alleles (0.000063%); no homozygotes.

Submission:

GeneDx
Classification: Uncertain significance. Last evaluated: 2024-06-13. Review status: criteria provided, single submitter. Criteria: GeneDx Variant Classification Process June 2021. Collection method: clinical testing. Allele origin: germline. Affected: yes.
Comment: Not observed at significant frequency in large population cohorts (gnomAD); In silico analysis supports that this missense variant has a deleterious effect on protein structure/function; Has not been previously published as pathogenic or benign to our knowledge